The following is an entry in ClinVar:

NM_005260.7(GDF9):c.546G>A (p.Glu182=)

Gene: GDF9 (growth differentiation factor 9; minus strand). Cytogenetic location: 5q31.1.
Variant type: single nucleotide variant.
Coding change: c.546G>A on transcript NM_005260.7 (MANE Select); coding-DNA position 546, G replaced by A.
Protein change: p.Glu182=; no amino-acid change (glutamic acid 182 retained).
Molecular consequence: synonymous variant.
Genome position (GRCh38, 1-based): chr5:132,862,408, C>T on the plus strand (G>A on the coding strand, the complement: GDF9 is on the minus strand). VCF-style: chr5-132862408-C-T. GRCh37 (hg19) VCF-style: chr5-132198100-C-T.
Other names: p.E182E:GAG>GAA; c.282G>A, p.Glu94= (NM_001288824.4, NM_001288825.4, NM_001288826.3 and 2 more transcripts); c.546G>A (NM_005260.5).
Identifiers: ClinVar variation 137459 (VCV000137459.3), dbSNP rs10491279, ClinGen allele CA291053.

ClinVar aggregate classification (germline): Benign. Review status: criteria provided, single submitter (1 of 4 stars). 2 submissions from 2 submitters: Benign (1). 1 of the submissions does not count toward it. Last evaluated 2014-03-20.

Conditions:
GDF9-related disorder. Also called: GDF9-related condition.

Allele frequency attached by ClinVar (database versions not stated): 1000 Genomes Project 0.13478; 1000 Genomes Project 30x 0.13913; gnomAD exomes 0.14147 and 0.16406; ExAC 0.14263; gnomAD 0.16995 and 0.17480; TOPMed 0.17149; ESP Exome Variant Server 0.18553.

Submissions (2):

GeneDx
Classification: Benign. Last evaluated: 2014-03-20. Review status: criteria provided, single submitter. Criteria: GeneDx Variant Classification (06012015). Collection method: clinical testing. Allele origin: germline. Affected: yes.
Comment: This variant is considered likely benign or benign based on one or more of the following criteria: it is a conservative change, it occurs at a poorly conserved position in the protein, it is predicted to be benign by multiple in silico algorithms, and/or has population frequency not consistent with disease.

PreventionGenetics, part of Exact Sciences
Classification: Benign for GDF9-related condition. Last evaluated: 2019-11-18. Review status: no assertion criteria provided. Collection method: clinical testing. Allele origin: germline. Not counted in ClinVar's aggregate classification.
Comment: This variant is classified as benign based on ACMG/AMP sequence variant interpretation guidelines (Richards et al. 2015 PMID: 25741868, with internal and published modifications).